The following is an entry in ClinVar:

NM_000550.3(TYRP1):c.1571A>C (p.Glu524Ala)

Genes: LURAP1L-AS1 (LURAP1L antisense RNA 1; minus strand), TYRP1 (tyrosinase related protein 1; plus strand). Cytogenetic location: 9p23.
Variant type: single nucleotide variant.
Coding change: c.1571A>C on transcript NM_000550.3 (MANE Select); coding-DNA position 1571, A replaced by C.
Protein change: p.Glu524Ala; replaces glutamic acid 524 with alanine.
Molecular consequence: missense variant.
Genome position (GRCh38, 1-based): chr9:12,709,139, A>C. VCF-style: chr9-12709139-A-C. GRCh37 (hg19) VCF-style: chr9-12709139-A-C.
Other names: short protein forms E524A.
Identifiers: ClinVar variation 1431241 (VCV001431241.3), dbSNP rs181755026, ClinGen allele CA4985629.
Genomic context (GRCh38, chr9:12,709,139, plus strand): 5'-GACGCAGTATGGATGAAGCTAACCAGCCTCTCCTCACTGATCAGTATCAATGCTATGCTG[A>C]AGAATATGAAAAACTCCAGAATCCTAATCAGTCTGTGGTCTAACAAATGCCCTACTCTCT-3'
Protein context (NP_000541.1, residues 514-534): LLTDQYQCYA[Glu524Ala]EYEKLQNPNQ

ClinVar aggregate classification (germline): Uncertain significance (1 of 4 stars; one submission).

Allele frequency attached by ClinVar (database versions not stated): gnomAD exomes 0.00002 and 0.00013; gnomAD 0.00006 and 0.00007; TOPMed 0.00008; ExAC 0.00012; 1000 Genomes Project 0.00020; 1000 Genomes Project 30x 0.00031.
gnomAD v4.1: 44 of 1,612,654 alleles (0.0027%); highest among the groups gnomAD compares: East Asian, 0.096%; no homozygotes.

Submission:

Labcorp Genetics (formerly Invitae), Labcorp
Classification: Uncertain significance. Last evaluated: 2022-09-13. Review status: criteria provided, single submitter. Criteria: Invitae Variant Classification Sherloc (09022015). Collection method: clinical testing. Allele origin: germline.
Comment: This sequence change replaces glutamic acid, which is acidic and polar, with alanine, which is neutral and non-polar, at codon 524 of the TYRP1 protein (p.Glu524Ala). This variant is present in population databases (rs181755026, gnomAD 0.2%). This variant has not been reported in the literature in individuals affected with TYRP1-related conditions. ClinVar contains an entry for this variant (Variation ID: 1431241). Algorithms developed to predict the effect of missense changes on protein structure and function (SIFT, PolyPhen-2, Align-GVGD) all suggest that this variant is likely to be tolerated. In summary, the available evidence is currently insufficient to determine the role of this variant in disease. Therefore, it has been classified as a Variant of Uncertain Significance.